The following is an entry in ClinVar:

ClinVar aggregate classification (germline): Conflicting classifications of pathogenicity. Review status: criteria provided, conflicting classifications (1 of 4 stars). 2 submissions from 2 submitters: Uncertain significance (1); Likely benign (1). Last evaluated 2024-02-06.

Conditions:
Hereditary cancer-predisposing syndrome. Also called: Neoplastic Syndromes, Hereditary; Hereditary Cancer Syndrome; Hereditary neoplastic syndrome; Tumor predisposition. Identifiers: Orphanet 140162, MedGen C0027672, MeSH D009386, MONDO:0015356.
Familial meningioma. Also called: Meningioma, familial, susceptibility to. Identifiers: Orphanet 263662, MedGen C3551915, MONDO:0011789, OMIM 607174.

Submissions (2):

Labcorp Genetics (formerly Invitae), Labcorp
Classification: Uncertain significance for Familial meningioma. Last evaluated: 2024-02-06. Review status: criteria provided, single submitter. Criteria: Invitae Variant Classification Sherloc (09022015). Collection method: clinical testing. Allele origin: germline.
Comment: This sequence change replaces tyrosine, which is neutral and polar, with histidine, which is basic and polar, at codon 28 of the SMARCE1 protein (p.Tyr28His). This variant is not present in population databases (gnomAD no frequency). This variant has not been reported in the literature in individuals affected with SMARCE1-related conditions. ClinVar contains an entry for this variant (Variation ID: 1439886). Advanced modeling of protein sequence and biophysical properties (such as structural, functional, and spatial information, amino acid conservation, physicochemical variation, residue mobility, and thermodynamic stability) performed at Invitae indicates that this missense variant is not expected to disrupt SMARCE1 protein function with a negative predictive value of 80%. In summary, the available evidence is currently insufficient to determine the role of this variant in disease. Therefore, it has been classified as a Variant of Uncertain Significance.

Ambry Genetics
Classification: Likely benign for Hereditary cancer-predisposing syndrome. Last evaluated: 2021-02-08. Review status: criteria provided, single submitter. Criteria: Ambry Variant Classification Scheme 2023. Collection method: clinical testing. Allele origin: germline.

NM_003079.5(SMARCE1):c.82T>C (p.Tyr28His)

Gene: SMARCE1 (SWI/SNF related BAF chromatin remodeling complex subunit E1; minus strand). Cytogenetic location: 17q21.2.
Variant type: single nucleotide variant.
Coding change: c.82T>C on transcript NM_003079.5 (MANE Select); coding-DNA position 82, T replaced by C.
Protein change: p.Tyr28His; replaces tyrosine 28 with histidine.
Molecular consequence: missense variant.
Genome position (GRCh38, 1-based): chr17:40,642,529, A>G on the plus strand (T>C on the coding strand, the complement: SMARCE1 is on the minus strand). VCF-style: chr17-40642529-A-G. GRCh37 (hg19) VCF-style: chr17-38798781-A-G.
Other names: short protein forms Y28H.
Identifiers: ClinVar variation 1439886 (VCV001439886.10), dbSNP rs2144009228, ClinGen allele CA399369915.
Genomic context (GRCh38, chr17:40,642,529, plus strand): 5'-TGGTGCCCGGGTTCCCTCCCAGCCTGTAGTTGTTGTAGGCGAGATGACTGTATGGATTGT[A>G]TCCCACAAACCCTGGTGTGCTGGGCATTTGCTGATGGAAACAAATGAGACAAAAACACGA-3'
Protein context (NP_003070.3, residues 18-38): QMPSTPGFVG[Tyr28His]NPYSHLAYNN